The following is an entry in ClinVar:

NM_001478.5(B4GALNT1):c.956G>A (p.Arg319His)

Gene: B4GALNT1 (beta-1,4-N-acetyl-galactosaminyltransferase 1; minus strand). Cytogenetic location: 12q13.3.
Variant type: single nucleotide variant.
Coding change: c.956G>A on transcript NM_001478.5 (MANE Select); coding-DNA position 956, G replaced by A.
Protein change: p.Arg319His; replaces arginine 319 with histidine.
Molecular consequence: missense variant. On other transcripts: 5 prime UTR variant (4).
Genome position (GRCh38, 1-based): chr12:57,628,759, C>T on the plus strand (G>A on the coding strand, the complement: B4GALNT1 is on the minus strand). VCF-style: chr12-57628759-C-T. GRCh37 (hg19) VCF-style: chr12-58022542-C-T.
Other names: p.Arg319His; c.791G>A, p.Arg264His (NM_001276468.2, NM_001413978.1); c.956G>A, p.Arg319His (NM_001413967.1, NM_001413968.1, NM_001413969.1 and 7 more transcripts); c.857G>A, p.Arg286His (NM_001413977.1); c.-32G>A (NM_001413981.1, NM_001413982.1, NM_001413983.1 and 1 more transcripts); c.956G>A (NM_001478.3); short protein forms R264H, R286H, R319H.
Identifiers: ClinVar variation 3380112 (VCV003380112.2).

ClinVar aggregate classification (germline): Uncertain significance. Review status: criteria provided, multiple submitters, no conflicts (2 of 4 stars). 2 submissions from 2 submitters: Uncertain significance (2). Last evaluated 2024-07-14.

Conditions:
Inborn genetic diseases. Identifiers: MedGen C0950123, MeSH D030342.

gnomAD v4.1: 67 of 1,614,118 alleles (0.0042%); highest among the groups gnomAD compares: Non-Finnish European, 0.0053%; no homozygotes.

Submissions (2):

Ambry Genetics
Classification: Uncertain significance for Inborn genetic diseases. Last evaluated: 2024-07-14. Review status: criteria provided, single submitter. Criteria: Ambry Variant Classification Scheme 2023. Collection method: clinical testing. Allele origin: germline.

Mayo Clinic Laboratories, Mayo Clinic
Classification: Uncertain significance. Last evaluated: 2023-12-12. Review status: criteria provided, single submitter. Criteria: ACMG Guidelines, 2015. Collection method: clinical testing. Allele origin: germline. Observed: 1 variant allele.
Comment: PM2_moderate